The following is an entry in ClinVar:

NM_001012339.3(DNAJC21):c.23T>G (p.Leu8Arg)

Genes: DNAJC21 (DnaJ heat shock protein family (Hsp40) member C21; plus strand), LOC129993792 (ATAC-STARR-seq lymphoblastoid silent region 15969; plus strand). Cytogenetic location: 5p13.2.
Variant type: single nucleotide variant.
Coding change: c.23T>G on transcript NM_001012339.3 (MANE Select); coding-DNA position 23, T replaced by G.
Protein change: p.Leu8Arg; replaces leucine 8 with arginine.
Molecular consequence: missense variant.
Genome position (GRCh38, 1-based): chr5:34,929,842, T>G. VCF-style: chr5-34929842-T-G. GRCh37 (hg19) VCF-style: chr5-34929947-T-G.
Other names: c.23T>G, p.Leu8Arg (NM_001348420.2, NM_194283.4); short protein forms L8R.
Identifiers: ClinVar variation 1381698 (VCV001381698.5), dbSNP rs757534884, ClinGen allele CA3228307.
Genomic context (GRCh38, chr5:34,929,842, plus strand): 5'-TCCCGGGCCCCAGCGCCGGCCGCCCGCCCGGTCGGGCGATGAAGTGTCACTATGAGGCGC[T>G]GGGGGTGCGGCGCGACGCCAGCGAGGAGGAGCTCAAGAAGGCCTATCGGAAGCTGGCCCT-3'
Protein context (NP_001012339.2, residues 1-18): MKCHYEA[Leu8Arg]GVRRDASEEE

ClinVar aggregate classification (germline): Uncertain significance (1 of 4 stars; one submission).

Allele frequency attached by ClinVar (database versions not stated): ExAC 0.00001; gnomAD 0.00003.
gnomAD v4.1: 25 of 1,564,390 alleles (0.0016%); highest among the groups gnomAD compares: Non-Finnish European, 0.0022%; no homozygotes.

Submission:

Labcorp Genetics (formerly Invitae), Labcorp
Classification: Uncertain significance. Last evaluated: 2023-12-11. Review status: criteria provided, single submitter. Criteria: Invitae Variant Classification Sherloc (09022015). Collection method: clinical testing. Allele origin: germline.
Comment: This sequence change replaces leucine, which is neutral and non-polar, with arginine, which is basic and polar, at codon 8 of the DNAJC21 protein (p.Leu8Arg). This variant is present in population databases (rs757534884, gnomAD 0.006%). This variant has not been reported in the literature in individuals affected with DNAJC21-related conditions. ClinVar contains an entry for this variant (Variation ID: 1381698). An algorithm developed to predict the effect of missense changes on protein structure and function (PolyPhen-2) suggests that this variant is likely to be disruptive. In summary, the available evidence is currently insufficient to determine the role of this variant in disease. Therefore, it has been classified as a Variant of Uncertain Significance.